The following is an entry in ClinVar:

ClinVar aggregate classification (germline): Benign. Review status: criteria provided, multiple submitters, no conflicts (2 of 4 stars). 4 submissions from 4 submitters: Benign (4). Last evaluated 2026-02-02.

Conditions:
Fraser syndrome 1 (FRASRS1). Also called: CRYPTOPHTHALMOS WITH OTHER MALFORMATIONS. Identifiers: Orphanet 2052, MedGen C4551480, MONDO:0054737, OMIM 219000.

Allele frequency attached by ClinVar (database versions not stated): gnomAD exomes 0.00216 and 0.00548; ExAC 0.00791; ESP Exome Variant Server 0.02090; gnomAD 0.02099 and 0.02261; TOPMed 0.02309; 1000 Genomes Project 0.02556; 1000 Genomes Project 30x 0.02873.
gnomAD v4.1: 6,450 of 1,610,610 alleles (0.4%); highest among the groups gnomAD compares: African/African-American, 7.2%; 221 homozygotes.

Submissions (4):

Labcorp Genetics (formerly Invitae), Labcorp
Classification: Benign. Last evaluated: 2026-02-02. Review status: criteria provided, single submitter. Criteria: Invitae Variant Classification Sherloc (09022015). Collection method: clinical testing. Allele origin: germline.

Mayo Clinic Laboratories, Mayo Clinic
Classification: Benign. Last evaluated: 2023-04-10. Review status: criteria provided, single submitter. Criteria: ACMG Guidelines, 2015. Collection method: clinical testing. Allele origin: germline. Observed: 1 variant allele.

Illumina Laboratory Services, Illumina
Classification: Benign for Fraser syndrome 1. Last evaluated: 2018-01-12. Review status: criteria provided, single submitter. Criteria: ICSL Variant Classification Criteria 13 December 2019. Collection method: clinical testing. Allele origin: germline.
Comment: This variant was observed in the ICSL laboratory as part of a predisposition screen in an ostensibly healthy population. It had not been previously curated by ICSL or reported in the Human Gene Mutation Database (HGMD: prior to June 1st, 2018), and was therefore a candidate for classification through an automated scoring system. Utilizing variant allele frequency, disease prevalence and penetrance estimates, and inheritance mode, an automated score was calculated to assess if this variant is too frequent to cause the disease. Based on the score and internal cut-off values, a variant classified as benign is not then subjected to further curation. The score for this variant resulted in a classification of benign for this disease.

Breakthrough Genomics
Classification: Benign. Review status: criteria provided, single submitter. Criteria: ACMG Guidelines, 2015. Collection method: not provided. Allele origin: germline. Inheritance: Autosomal recessive inheritance. Affected: yes.

NM_025074.7(FRAS1):c.6252C>T (p.Asn2084=)

Gene: FRAS1 (Fraser extracellular matrix complex subunit 1; plus strand). Cytogenetic location: 4q21.21.
Variant type: single nucleotide variant.
Coding change: c.6252C>T on transcript NM_025074.7 (MANE Select); coding-DNA position 6252, C replaced by T.
Protein change: p.Asn2084=; no amino-acid change (asparagine 2084 retained).
Molecular consequence: synonymous variant.
Genome position (GRCh38, 1-based): chr4:78,448,294, C>T. VCF-style: chr4-78448294-C-T. GRCh37 (hg19) VCF-style: chr4-79369448-C-T.
Other names: p.Asn2084=.
Identifiers: ClinVar variation 349734 (VCV000349734.16), dbSNP rs114956797, ClinGen allele CA2977726.
Genomic context (GRCh38, chr4:78,448,294, plus strand): 5'-AGGGAGGATGAAGATCTACACAGAACTGCCTGCAAGTGACACACCTCACTTGGCTATAAA[C>T]CAAGGCCTACAGCTCTCAGCAGGTACCACAGAAATAAAGGAGAGTGGCCATGGTTTTTCT-3'
Protein context (NP_079350.5, residues 2074-2094): PASDTPHLAI[Asn2084=]QGLQLSAGSV